The following is an entry in ClinVar:

ClinVar aggregate classification (germline): Uncertain significance. Review status: criteria provided, multiple submitters, no conflicts (2 of 4 stars). 3 submissions from 3 submitters: Uncertain significance (3). Last evaluated 2025-08-13.

Conditions:
Hereditary cancer-predisposing syndrome. Also called: Neoplastic Syndromes, Hereditary; Tumor predisposition; Hereditary neoplastic syndrome; Hereditary Cancer Syndrome. Identifiers: Orphanet 140162, MedGen C0027672, MeSH D009386, MONDO:0015356.
Endometrial carcinoma. Also called: Endometrial carcinoma, somatic. Identifiers: MedGen C0476089, MONDO:0002447, OMIM 608089, HP:0012114.

Allele frequency attached by ClinVar (database versions not stated): gnomAD exomes below 0.00001; TOPMed below 0.00001.
gnomAD v4.1: 1 of 1,613,934 alleles (0.000062%); highest among the groups gnomAD compares: African/African-American, 0.0013%; no homozygotes.

Submissions (3):

Labcorp Genetics (formerly Invitae), Labcorp
Classification: Uncertain significance. Last evaluated: 2025-08-13. Review status: criteria provided, single submitter. Criteria: Invitae Variant Classification Sherloc (09022015). Collection method: clinical testing. Allele origin: germline.
Comment: This sequence change replaces serine, which is neutral and polar, with threonine, which is neutral and polar, at codon 982 of the MSH3 protein (p.Ser982Thr). This variant is not present in population databases (gnomAD no frequency). This variant has not been reported in the literature in individuals affected with MSH3-related conditions. ClinVar contains an entry for this variant (Variation ID: 643364). An algorithm developed to predict the effect of missense changes on protein structure and function (PolyPhen-2) suggests that this variant is likely to be disruptive. In summary, the available evidence is currently insufficient to determine the role of this variant in disease. Therefore, it has been classified as a Variant of Uncertain Significance.

Ambry Genetics
Classification: Uncertain significance for Hereditary cancer-predisposing syndrome. Last evaluated: 2024-11-07. Review status: criteria provided, single submitter. Criteria: Ambry Variant Classification Scheme 2023. Collection method: clinical testing. Allele origin: germline.
Comment: The p.S982T variant (also known as c.2945G>C), located in coding exon 21 of the MSH3 gene, results from a G to C substitution at nucleotide position 2945. The serine at codon 982 is replaced by threonine, an amino acid with similar properties. This amino acid position is highly conserved in available vertebrate species. In addition, this alteration is predicted to be deleterious by in silico analysis. Based on the available evidence, the clinical significance of this variant remains unclear.

Baylor Genetics
Classification: Uncertain significance for Endometrial carcinoma. Last evaluated: 2023-12-12. Review status: criteria provided, single submitter. Criteria: ACMG Guidelines, 2015. Collection method: clinical testing. Allele origin: unknown.

NM_002439.5(MSH3):c.2945G>C (p.Ser982Thr)

Gene: MSH3 (mutS homolog 3; plus strand). Cytogenetic location: 5q14.1.
Variant type: single nucleotide variant.
Coding change: c.2945G>C on transcript NM_002439.5 (MANE Select); coding-DNA position 2945, G replaced by C.
Protein change: p.Ser982Thr; replaces serine 982 with threonine.
Molecular consequence: missense variant.
Genome position (GRCh38, 1-based): chr5:80,854,261, G>C. VCF-style: chr5-80854261-G-C. GRCh37 (hg19) VCF-style: chr5-80150080-G-C.
Other names: short protein forms S982T.
Identifiers: ClinVar variation 643364 (VCV000643364.15), dbSNP rs1202769574, ClinGen allele CA360275744.